The following is an entry in ClinVar:

ClinVar aggregate classification (germline): Pathogenic (1 of 4 stars; one submission).

Conditions:
LAMB2-related infantile-onset nephrotic syndrome. Also called: NEPHROTIC SYNDROME, TYPE 5, WITHOUT OCULAR ABNORMALITIES; NEPHROTIC SYNDROME, TYPE 5, WITH OCULAR ABNORMALITIES; Nephrotic Syndrome, type 5. Identifiers: Orphanet 306507, MedGen C3280113, MONDO:0013621, OMIM 614199.
Pierson syndrome. Also called: MICROCORIA-CONGENITAL NEPHROTIC SYNDROME. Identifiers: Orphanet 2670, MedGen C1836876, MONDO:0012184, OMIM 609049.

Allele frequency attached by ClinVar (database versions not stated): gnomAD exomes below 0.00001; gnomAD 0.00001.

Submission:

Labcorp Genetics (formerly Invitae), Labcorp
Classification: Pathogenic for LAMB2-related infantile-onset nephrotic syndrome; Pierson syndrome. Last evaluated: 2024-07-31. Review status: criteria provided, single submitter. Criteria: Invitae Variant Classification Sherloc (09022015). Collection method: clinical testing. Allele origin: germline.
Comment: This sequence change creates a premature translational stop signal (p.Arg1032*) in the LAMB2 gene. It is expected to result in an absent or disrupted protein product. Loss-of-function variants in LAMB2 are known to be pathogenic (PMID: 15367484). This variant is not present in population databases (gnomAD no frequency). This premature translational stop signal has been observed in individual(s) with Pierson syndrome (PMID: 18672223). For these reasons, this variant has been classified as Pathogenic.

Literature cited by the submitters: PubMed 15367484; PubMed 18672223.

NM_002292.4(LAMB2):c.3094C>T (p.Arg1032Ter)

Gene: LAMB2 (laminin subunit beta 2; minus strand). Cytogenetic location: 3p21.31.
Variant type: single nucleotide variant.
Coding change: c.3094C>T on transcript NM_002292.4 (MANE Select); coding-DNA position 3094, C replaced by T.
Protein change: p.Arg1032Ter; replaces arginine 1032 with a stop codon.
Molecular consequence: nonsense.
Genome position (GRCh38, 1-based): chr3:49,124,716, G>A on the plus strand (C>T on the coding strand, the complement: LAMB2 is on the minus strand). VCF-style: chr3-49124716-G-A. GRCh37 (hg19) VCF-style: chr3-49162149-G-A.
Other names: short protein forms R1032*.
Identifiers: ClinVar variation 2945790 (VCV002945790.3), dbSNP rs2045391529, ClinGen allele CA352712990.